The following is an entry in ClinVar:

NM_153676.4(USH1C):c.1085A>G (p.Gln362Arg)

Gene: USH1C (USH1 protein network component harmonin; minus strand). Cytogenetic location: 11p15.1.
Variant type: single nucleotide variant.
Coding change: c.1085A>G on transcript NM_153676.4 (MANE Select); coding-DNA position 1085, A replaced by G.
Protein change: p.Gln362Arg; replaces glutamine 362 with arginine.
Molecular consequence: missense variant. On other transcripts: non-coding transcript variant (1).
Genome position (GRCh38, 1-based): chr11:17,521,346, T>C on the plus strand (A>G on the coding strand, the complement: USH1C is on the minus strand). VCF-style: chr11-17521346-T-C. GRCh37 (hg19) VCF-style: chr11-17542893-T-C.
Other names: c.1028A>G, p.Gln343Arg (NM_001297764.2); c.1085A>G, p.Gln362Arg (NM_005709.4); short protein forms Q362R, Q343R.
Identifiers: ClinVar variation 1382068 (VCV001382068.5), dbSNP rs970072244, ClinGen allele CA218454368.

ClinVar aggregate classification (germline): Uncertain significance (1 of 4 stars; one submission).

Allele frequency attached by ClinVar (database versions not stated): gnomAD 0.00001; TOPMed 0.00005.
gnomAD v4.1: 2 of 1,614,026 alleles (0.00012%); highest among the groups gnomAD compares: Admixed American, 0.0017%; no homozygotes.

Submission:

Labcorp Genetics (formerly Invitae), Labcorp
Classification: Uncertain significance. Last evaluated: 2022-01-28. Review status: criteria provided, single submitter. Criteria: Invitae Variant Classification Sherloc (09022015). Collection method: clinical testing. Allele origin: germline.
Comment: This sequence change replaces glutamine, which is neutral and polar, with arginine, which is basic and polar, at codon 362 of the USH1C protein (p.Gln362Arg). This variant is not present in population databases (gnomAD no frequency). This variant has not been reported in the literature in individuals affected with USH1C-related conditions. Algorithms developed to predict the effect of missense changes on protein structure and function (SIFT, PolyPhen-2, Align-GVGD) all suggest that this variant is likely to be tolerated. Algorithms developed to predict the effect of sequence changes on RNA splicing suggest that this variant may create or strengthen a splice site. In summary, the available evidence is currently insufficient to determine the role of this variant in disease. Therefore, it has been classified as a Variant of Uncertain Significance.